The following is an entry in ClinVar:

ClinVar aggregate classification (germline): Pathogenic (1 of 4 stars; one submission).

Submission:

GeneDx
Classification: Pathogenic. Last evaluated: 2018-09-10. Review status: criteria provided, single submitter. Criteria: GeneDx Variant Classification (06012015). Collection method: clinical testing. Allele origin: germline. Affected: yes.
Comment: The c.967delG variant has not been published as a pathogenic variant, nor has it been reported as a benign variant to our knowledge. The variant is not observed in large population cohorts (Lek et al., 2016). It causes a frameshift starting with codon Valine 323, changes this amino acid to a Serine residue and creates a premature Stop codon at position 22 of the new reading frame, denoted p.Val323SerfsX22. This variant is predicted to cause loss of normal protein function either through protein truncation or nonsense-mediated mRNA decay. We consider this variant to be pathogenic.

NM_000448.3(RAG1):c.967del (p.Val323fs)

Gene: RAG1 (recombination activating 1; plus strand). Cytogenetic location: 11p12.
Variant type: Deletion.
Coding change: c.967del on transcript NM_000448.3 (MANE Select); coding-DNA position 967, one base deleted (G; older notation c.967delG).
Protein change: p.Val323fs; shifts the reading frame from valine 323.
Molecular consequence: frameshift variant.
Genome position (GRCh38, 1-based): chr11:36,574,271, G deleted. VCF-style (leftmost placement, unchanged base first): chr11-36574270-AG-A. GRCh37 (hg19) VCF-style: chr11-36595820-AG-A.
Other names: c.967del, p.Val323fs (NM_001377277.1, NM_001377278.1, NM_001377279.1 and 1 more transcripts); short protein forms V323fs.
Identifiers: ClinVar variation 817813 (VCV000817813.1), dbSNP rs1590702629, ClinGen allele CA915948144.
Genomic context (GRCh38, chr11:36,574,270, plus strand): 5'-CCCTGTGGAGACCAACTGTAAGCATGTCTTTTGCCGGGTCTGCATTCTCAGATGCCTCAA[AG>A]TCATGGGCAGCTATTGTCCCTCTTGCCGATATCCATGCTTCCCTACTGACCTGGAGAGTC-3'